The following is an entry in ClinVar:

ClinVar aggregate classification (germline): Likely benign. Review status: criteria provided, multiple submitters, no conflicts (2 of 4 stars). 3 submissions from 3 submitters: Likely benign (2). 1 of the submissions does not count toward it. Last evaluated 2023-12-01.

Conditions:
CAPN12-related disorder. Also called: CAPN12-related condition.

Allele frequency attached by ClinVar (database versions not stated): ExAC 0.00076; gnomAD exomes 0.00077 and 0.00178; 1000 Genomes Project 0.00080; 1000 Genomes Project 30x 0.00109; ESP Exome Variant Server 0.00110; gnomAD 0.00123; TOPMed 0.00138.
gnomAD v4.1: 2,656 of 1,554,138 alleles (0.17%); highest among the groups gnomAD compares: Non-Finnish European, 0.21%; 4 homozygotes.

Submissions (3):

CeGaT Center for Human Genetics Tuebingen
Classification: Likely benign. Last evaluated: 2023-12-01. Review status: criteria provided, single submitter. Criteria: CeGaT Center For Human Genetics Tuebingen Variant Classification Criteria Version 2. Collection method: clinical testing. Allele origin: germline. Affected: yes. Observed: 1 variant allele.
Comment: CAPN12: BP4, BP7

Labcorp Genetics (formerly Invitae), Labcorp
Classification: Likely benign. Last evaluated: 2018-05-30. Review status: criteria provided, single submitter. Criteria: Invitae Variant Classification Sherloc (09022015). Collection method: clinical testing. Allele origin: germline.

PreventionGenetics, part of Exact Sciences
Classification: Likely benign for CAPN12-related condition. Last evaluated: 2019-05-07. Review status: no assertion criteria provided. Collection method: clinical testing. Allele origin: germline. Not counted in ClinVar's aggregate classification.
Comment: This variant is classified as likely benign based on ACMG/AMP sequence variant interpretation guidelines (Richards et al. 2015 PMID: 25741868, with internal and published modifications).

NM_144691.4(CAPN12):c.2079C>T (p.His693=)

Genes: ACTN4 (actinin alpha 4; plus strand), CAPN12 (calpain 12; minus strand). Cytogenetic location: 19q13.2.
Variant type: single nucleotide variant.
Coding change: c.2079C>T on transcript NM_144691.4 (MANE Select); coding-DNA position 2079, C replaced by T.
Protein change: p.His693=; no amino-acid change (histidine 693 retained).
Molecular consequence: synonymous variant. On other transcripts: 3 prime UTR variant (3).
Genome position (GRCh38, 1-based): chr19:38,731,019, G>A on the plus strand (C>T on the coding strand, the complement: CAPN12 is on the minus strand). VCF-style: chr19-38731019-G-A. GRCh37 (hg19) VCF-style: chr19-39221659-G-A.
Other names: c.*1587G>A (NM_001322033.2, NM_001411143.1, NM_004924.6).
Identifiers: ClinVar variation 735155 (VCV000735155.26), dbSNP rs187740309, ClinGen allele CA9418234.
Genomic context (GRCh38, chr19:38,731,019, plus strand): 5'-GCTCACCTGTCTGTGGGTCAGGCAGATGACCCCCTCACCCCCATCCAGGTGCTGGCTGCA[G>A]TGGCCTGTGCAGAGAGGGGCAGGGTGAGTGCCCACCAGTCCCCGTACCCCTTCCCCCCAT-3'
Protein context (NP_653292.2, residues 683-703): CVAHLTCIFC[His693=]CSQHLDGGEG